The following is an entry in ClinVar:

NM_001267550.2(TTN):c.35629+1G>A

Gene: TTN (titin; minus strand). Cytogenetic location: 2q31.2.
Variant type: single nucleotide variant.
Coding change: c.35629+1G>A on transcript NM_001267550.2 (MANE Select); the canonical splice donor site of the intron after coding-DNA position 35629, G replaced by A.
Molecular consequence: splice donor variant. On other transcripts: intron variant (5).
Genome position (GRCh38, 1-based): chr2:178,667,637, C>T on the plus strand (G>A on the coding strand, the complement: TTN is on the minus strand). VCF-style: chr2-178667637-C-T. GRCh37 (hg19) VCF-style: chr2-179532364-C-T.
Other names: c.13283-25320G>A (NM_003319.4); c.13859-25320G>A (NM_133437.4); c.13658-25320G>A (NM_133432.3); c.31483+2581G>A (NM_133378.4); c.34264+2581G>A (NM_001256850.1).
Identifiers: ClinVar variation 4791488 (VCV004791488.1).

ClinVar aggregate classification (germline): Likely pathogenic (1 of 4 stars; one submission).

Conditions:
Autosomal recessive limb-girdle muscular dystrophy type 2J (LGMDR10). Also called: Limb-girdle muscular dystrophy, type 2J; MUSCULAR DYSTROPHY, LIMB-GIRDLE, AUTOSOMAL RECESSIVE 10. Identifiers: Orphanet 140922, MedGen C1837342, MONDO:0012127, OMIM 608807.
Dilated cardiomyopathy 1G (CMD1G). Identifiers: Orphanet 154, MedGen C1858763, MONDO:0011400, OMIM 604145.

gnomAD v4.1: 5 of 1,595,486 alleles (0.00031%); highest among the groups gnomAD compares: African/African-American, 0.004%; no homozygotes.

Submission:

Labcorp Genetics (formerly Invitae), Labcorp
Classification: Likely pathogenic for Dilated cardiomyopathy 1G; Autosomal recessive limb-girdle muscular dystrophy type 2J. Last evaluated: 2025-10-06. Review status: criteria provided, single submitter. Criteria: Invitae Variant Classification Sherloc (09022015). Collection method: clinical testing. Allele origin: germline.
Comment: This sequence change affects a donor splice site in intron 160 of the TTN gene. It is expected to disrupt RNA splicing and likely results in a truncated or disrupted TTN protein. This variant is not present in population databases (gnomAD no frequency). This variant has not been reported in the literature in individuals affected with TTN-related conditions. Algorithms developed to predict the effect of sequence changes on RNA splicing suggest that this variant may disrupt the consensus splice site. This variant is located in the I band of TTN (PMID: 25589632). Truncating variants in this region have been reported in individuals affected with autosomal recessive centronuclear myopathy (PMID: 23975875, internal data). Truncating variants in this region have also been identified in individuals affected with autosomal dominant dilated cardiomyopathy and/or cardio-related conditions (PMID: 27869827, 32964742, internal data). In summary, the currently available evidence indicates that the variant is pathogenic, but additional data are needed to prove that conclusively. Therefore, this variant has been classified as Likely Pathogenic.

Literature cited by the submitters: PubMed 25589632; PubMed 23975875; PubMed 27869827; PubMed 32964742.